The following is an entry in ClinVar:

NM_022336.4(EDAR):c.1295T>C (p.Leu432Pro)

Genes: EDAR (ectodysplasin A receptor; minus strand), RANBP2 (RAN binding protein 2; plus strand). Cytogenetic location: 2q13.
Variant type: single nucleotide variant.
Coding change: c.1295T>C on transcript NM_022336.4 (MANE Select); coding-DNA position 1295, T replaced by C.
Protein change: p.Leu432Pro; replaces leucine 432 with proline.
Molecular consequence: missense variant.
Genome position (GRCh38, 1-based): chr2:108,896,959, A>G on the plus strand (T>C on the coding strand, the complement: EDAR is on the minus strand). VCF-style: chr2-108896959-A-G. GRCh37 (hg19) VCF-style: chr2-109513415-A-G.
Other names: short protein forms L432P.
Identifiers: ClinVar variation 3375829 (VCV003375829.3).

ClinVar aggregate classification (germline): Uncertain significance. Review status: criteria provided, multiple submitters, no conflicts (2 of 4 stars). 2 submissions from 2 submitters: Uncertain significance (2). Last evaluated 2025-07-19.

Submissions (2):

Dasa
Classification: Uncertain significance. Last evaluated: 2025-07-19. Review status: criteria provided, single submitter. Criteria: DASA Assertion Criteria. Collection method: clinical testing. Allele origin: germline.
Comment: NM_022336.4(EDAR):c.1295T>C (p.Leu432Pro) is a missense variant that results in the substitution of leucine with proline. The affected residue or protein region has prior evidence supporting clinical relevance. This variant is absent from population databases. Computational prediction algorithms are consistent with a deleterious effect. The currently available literature and clinical evidence are not sufficient to establish a definitive association between this variant and the reported condition. Therefore, this variant is classified as a variant of uncertain significance.

GeneDx
Classification: Uncertain significance. Last evaluated: 2024-04-09. Review status: criteria provided, single submitter. Criteria: GeneDx Variant Classification Process June 2021. Collection method: clinical testing. Allele origin: germline. Affected: yes.
Comment: Not observed at significant frequency in large population cohorts (gnomAD); Missense variants in this gene are a common cause of disease and they are underrepresented in the general population; In silico analysis indicates that this missense variant does not alter protein structure/function; Has not been previously published as pathogenic or benign to our knowledge